The following is an entry in ClinVar:

ClinVar aggregate classification (germline): Uncertain significance (1 of 4 stars; one submission).

Conditions:
Inborn genetic diseases. Identifiers: MedGen C0950123, MeSH D030342.

Submission:

Ambry Genetics
Classification: Uncertain significance for Inborn genetic diseases. Last evaluated: 2026-06-02. Review status: criteria provided, single submitter. Criteria: Ambry Variant Classification Scheme 2023. Collection method: clinical testing. Allele origin: germline.
Comment: The p.P150S variant (also known as c.448C>T), located in coding exon 4 of the PAX5 gene, results from a C to T substitution at nucleotide position 448. The proline at codon 150 is replaced by serine, an amino acid with similar properties. This amino acid position is conserved. In addition, the in silico prediction for this alteration is inconclusive. Based on the available evidence, the clinical significance of this variant remains unclear.

NM_016734.3(PAX5):c.448C>T (p.Pro150Ser)

Genes: PAX5 (paired box 5; minus strand), LOC105376032 (uncharacterized LOC105376032; plus strand). Cytogenetic location: 9p13.2.
Variant type: single nucleotide variant.
Coding change: c.448C>T on transcript NM_016734.3 (MANE Select); coding-DNA position 448, C replaced by T.
Protein change: p.Pro150Ser; replaces proline 150 with serine.
Molecular consequence: missense variant. On other transcripts: non-coding transcript variant (2).
Genome position (GRCh38, 1-based): chr9:37,006,500, G>A on the plus strand (C>T on the coding strand, the complement: PAX5 is on the minus strand). VCF-style: chr9-37006500-G-A. GRCh37 (hg19) VCF-style: chr9-37006497-G-A.
Other names: c.124C>T, p.Pro42Ser (NM_001280551.2, NM_001280556.2); c.448C>T, p.Pro150Ser (NM_001280552.2, NM_001280553.2, NM_001280554.2 and 4 more transcripts); c.250C>T, p.Pro84Ser (NM_001280555.2); short protein forms P150S, P42S, P84S.
Identifiers: ClinVar variation 4861622 (VCV004861622.1).